The following is an entry in ClinVar:

NM_006642.5(SDCCAG8):c.1783T>G (p.Phe595Val)

Gene: SDCCAG8 (SHH signaling and ciliogenesis regulator SDCCAG8; plus strand). Cytogenetic location: 1q43.
Variant type: single nucleotide variant.
Coding change: c.1783T>G on transcript NM_006642.5 (MANE Select); coding-DNA position 1783, T replaced by G.
Protein change: p.Phe595Val; replaces phenylalanine 595 with valine.
Molecular consequence: missense variant.
Genome position (GRCh38, 1-based): chr1:243,418,006, T>G. VCF-style: chr1-243418006-T-G. GRCh37 (hg19) VCF-style: chr1-243581308-T-G.
Other names: c.880T>G, p.Phe294Val (NM_001350246.2, NM_001350247.2, NM_001350251.2); c.1879T>G, p.Phe627Val (NM_001350248.2); c.1489T>G, p.Phe497Val (NM_001350249.2); short protein forms F595V, F294V, F497V, F627V.
Identifiers: ClinVar variation 634489 (VCV000634489.18), dbSNP rs776765317, ClinGen allele CA1483739.

ClinVar aggregate classification (germline): Uncertain significance. Review status: criteria provided, multiple submitters, no conflicts (2 of 4 stars). 8 submissions from 7 submitters: Uncertain significance (8). Last evaluated 2026-07-02.

Conditions:
Inborn genetic diseases. Identifiers: MedGen C0950123, MeSH D030342.
SDCCAG8-related disorder. Also called: SDCCAG8-related condition; SDCCAG8-Related Disorders.
Senior-Loken syndrome 7 (SLSN7). Identifiers: Orphanet 3156, MedGen C3150877, MONDO:0013326, OMIM 613615.
Bardet-Biedl syndrome 16 (BBS16). Identifiers: Orphanet 110, MedGen C3889474, MONDO:0014444, OMIM 615993.

Allele frequency attached by ClinVar (database versions not stated): TOPMed below 0.00001; gnomAD 0.00001; ExAC 0.00002; gnomAD exomes 0.00003.
gnomAD v4.1: 37 of 1,612,894 alleles (0.0023%); highest among the groups gnomAD compares: Middle Eastern, 0.082%; 2 homozygotes.

Submissions (8):

PreventionGenetics, part of Exact Sciences
Classification: Uncertain significance for SDCCAG8-related condition. Last evaluated: 2026-07-02. Review status: criteria provided, single submitter. Criteria: ACMG Guidelines, 2015. Collection method: clinical testing. Allele origin: germline.
Comment: The SDCCAG8 c.1783T>G variant is predicted to result in the amino acid substitution p.Phe595Val. To our knowledge, this variant has not been reported in the literature. This variant is reported in 0.020% of alleles in individuals of South Asian descent in gnomAD. At this time, the clinical significance of this variant is uncertain due to the absence of conclusive functional and genetic evidence.

Ambry Genetics
Classification: Uncertain significance for Inborn genetic diseases. Last evaluated: 2025-05-13. Review status: criteria provided, single submitter. Criteria: Ambry Variant Classification Scheme 2023. Collection method: clinical testing. Allele origin: germline.

Blueprint Genetics
Classification: Uncertain significance. Last evaluated: 2024-01-09. Review status: criteria provided, single submitter. Criteria: ACMG Guidelines, 2015. Collection method: clinical testing. Allele origin: germline.

Genomic Research Center, Shahid Beheshti University of Medical Sciences
Classification: Uncertain significance for Bardet-Biedl syndrome 16. Last evaluated: 2022-12-24. Review status: criteria provided, single submitter. Criteria: ACMG Guidelines, 2015. Collection method: clinical testing. Allele origin: unknown. Affected: no. Observed: 1 variant allele.

Labcorp Genetics (formerly Invitae), Labcorp
Classification: Uncertain significance for Bardet-Biedl syndrome 16; Senior-Loken syndrome 7. Last evaluated: 2022-09-13. Review status: criteria provided, single submitter. Criteria: Invitae Variant Classification Sherloc (09022015). Collection method: clinical testing. Allele origin: germline.
Comment: This sequence change replaces phenylalanine, which is neutral and non-polar, with valine, which is neutral and non-polar, at codon 595 of the SDCCAG8 protein (p.Phe595Val). This variant is present in population databases (rs776765317, gnomAD 0.02%). This variant has not been reported in the literature in individuals affected with SDCCAG8-related conditions. ClinVar contains an entry for this variant (Variation ID: 634489). Advanced modeling of protein sequence and biophysical properties (such as structural, functional, and spatial information, amino acid conservation, physicochemical variation, residue mobility, and thermodynamic stability) performed at Invitae indicates that this missense variant is not expected to disrupt SDCCAG8 protein function. In summary, the available evidence is currently insufficient to determine the role of this variant in disease. Therefore, it has been classified as a Variant of Uncertain Significance.

Fulgent Genetics
Classification: Uncertain significance for Senior-Loken syndrome 7; Bardet-Biedl syndrome 16. Last evaluated: 2022-03-02. Review status: criteria provided, single submitter. Criteria: ACMG Guidelines, 2015. Collection method: clinical testing. Allele origin: unknown.

Illumina Laboratory Services, Illumina
Classification: Uncertain significance for Senior-Loken syndrome 7. Last evaluated: 2018-01-13. Review status: criteria provided, single submitter. Criteria: ICSL Variant Classification Criteria 13 December 2019. Collection method: clinical testing. Allele origin: germline.

Illumina Laboratory Services, Illumina
Classification: Uncertain significance for Bardet-Biedl syndrome 16. Last evaluated: 2018-01-13. Review status: criteria provided, single submitter. Criteria: ICSL Variant Classification Criteria 13 December 2019. Collection method: clinical testing. Allele origin: germline.